The following is an entry in ClinVar:

NM_001142966.3(GREB1L):c.2947G>A (p.Gly983Ser)

Gene: GREB1L (GREB1 like retinoic acid receptor coactivator; plus strand). Cytogenetic location: 18q11.1.
Variant type: single nucleotide variant.
Coding change: c.2947G>A on transcript NM_001142966.3 (MANE Select); coding-DNA position 2947, G replaced by A.
Protein change: p.Gly983Ser; replaces glycine 983 with serine.
Molecular consequence: missense variant.
Genome position (GRCh38, 1-based): chr18:21,490,268, G>A. VCF-style: chr18-21490268-G-A. GRCh37 (hg19) VCF-style: chr18-19070229-G-A.
Other names: c.3076G>A, p.Gly1026Ser (NM_001410867.1); c.2620G>A, p.Gly874Ser (NM_001410868.1); short protein forms G1026S, G874S, G983S.
Identifiers: ClinVar variation 2444480 (VCV002444480.2), dbSNP rs2511782457, ClinGen allele CA401745390.

ClinVar aggregate classification (germline): Uncertain significance. Review status: criteria provided, multiple submitters, no conflicts (2 of 4 stars). 2 submissions from 2 submitters: Uncertain significance (2). Last evaluated 2025-10-03.

Conditions:
Scoliosis, isolated, susceptibility to, 1 (IS1). Also called: ADOLESCENT ISOLATED SCOLIOSIS. Identifiers: MedGen C2700406, MONDO:0008419, OMIM 181800.

Allele frequency attached by ClinVar (database versions not stated): gnomAD exomes below 0.00001.
gnomAD v4.1: 1 of 1,551,728 alleles (0.000064%); highest among the groups gnomAD compares: Non-Finnish European, 0.000087%; no homozygotes.

Submissions (2):

Labcorp Genetics (formerly Invitae), Labcorp
Classification: Uncertain significance. Last evaluated: 2025-10-03. Review status: criteria provided, single submitter. Criteria: Invitae Variant Classification Sherloc (09022015). Collection method: clinical testing. Allele origin: germline.
Comment: This sequence change replaces glycine, which is neutral and non-polar, with serine, which is neutral and polar, at codon 983 of the GREB1L protein (p.Gly983Ser). This variant is not present in population databases (gnomAD no frequency). This variant has not been reported in the literature in individuals affected with GREB1L-related conditions. ClinVar contains an entry for this variant (Variation ID: 2444480). An algorithm developed to predict the effect of missense changes on protein structure and function (PolyPhen-2) suggests that this variant is likely to be disruptive. In summary, the available evidence is currently insufficient to determine the role of this variant in disease. Therefore, it has been classified as a Variant of Uncertain Significance.

Lupski Lab, Baylor-Hopkins CMG, Baylor College of Medicine
Classification: Uncertain significance for Scoliosis, isolated, susceptibility to, 1. Last evaluated: 2023-03-13. Review status: criteria provided, single submitter. Criteria: ACMG Guidelines, 2015. Collection method: research. Allele origin: unknown. Affected: yes. Observed: 1 variant allele.